The following is an entry in ClinVar:

NM_000558.5(HBA1):c.322del (p.Leu107_Val108insTer)

Genes: HBA1 (hemoglobin subunit alpha 1; plus strand), LOC106804613 (hemoglobin subunit alpha 1 recombination region; plus strand). Cytogenetic location: 16p13.3.
Variant type: Deletion.
Coding change: c.322del on transcript NM_000558.5 (MANE Select); coding-DNA position 322, one base deleted (G; older notation c.322delG).
Protein change: p.Leu107_Val108insTer.
Molecular consequence: nonsense.
Genome position (GRCh38, 1-based): chr16:177,304, G deleted; the last of 2 consecutive G bases (chr16:177,303-177,304); deleting either gives the same sequence. VCF-style (leftmost placement, unchanged base first): chr16-177302-TG-T. GRCh37 (hg19) VCF-style: chr16-227301-TG-T.
Identifiers: ClinVar variation 4814401 (VCV004814401.1).

ClinVar aggregate classification (germline): Likely pathogenic (1 of 4 stars; one submission).

Conditions:
alpha Thalassemia. Also called: Alpha thalassemia spectrum. Identifiers: Orphanet 846, MedGen C0002312, MONDO:0011399, OMIM 604131.

Submission:

Natera, Inc.
Classification: Likely pathogenic for Alpha thalassemia. Last evaluated: 2025-10-02. Review status: criteria provided, single submitter. Criteria: Natera Variant Classification Schema (03/2026). Collection method: clinical testing. Allele origin: germline.
Comment: The c.322delG variant in HBA1 is a frameshift variant predicted to shift the reading frame and introduce a stop codon. This variant is expected to result in nonsense mediated decay, truncation, or a dysfunctional protein product. This variant is rare in the general population with a frequency below the threshold expected for the associated phenotype(s). Given the available evidence, this variant is classified as Likely Pathogenic.